The following is an entry in ClinVar:

ClinVar aggregate classification (germline): Uncertain significance. Review status: criteria provided, multiple submitters, no conflicts (2 of 4 stars). 2 submissions from 2 submitters: Uncertain significance (2). Last evaluated 2026-01-19.

Conditions:
Dyskeratosis congenita, autosomal dominant 1 (DKCA1). Also called: Dyskeratosis congenita Scoggins type. Identifiers: Orphanet 1775, MedGen C4551974, MONDO:0007485, OMIM 127550. Inheritance: Variable.

Submissions (2):

Labcorp Genetics (formerly Invitae), Labcorp
Classification: Uncertain significance for Dyskeratosis congenita, autosomal dominant 1. Last evaluated: 2026-01-19. Review status: criteria provided, single submitter. Criteria: Invitae Variant Classification Sherloc (09022015). Collection method: clinical testing. Allele origin: germline.
Comment: This variant occurs in the TERC gene, which encodes an RNA molecule that does not result in a protein product. This variant is not present in population databases (gnomAD no frequency). This variant has not been reported in the literature in individuals affected with TERC-related conditions. ClinVar contains an entry for this variant (Variation ID: 3653239). This variant is located within the template/pseudoknot domain of the TERC RNA component, which is required for RNA or RNP stability (PMID: 15082312, 21844345). This variant is located in a region of TERC in which a significant number of disease causing variants have been reported (PMID: 15082312, 21844345, 21931702). These observations suggest that this may be a clinically significant region. In summary, the available evidence is currently insufficient to determine the role of this variant in disease. Therefore, it has been classified as a Variant of Uncertain Significance.

ARUP Laboratories, Molecular Genetics and Genomics, ARUP Laboratories
Classification: Uncertain significance. Last evaluated: 2025-07-14. Review status: criteria provided, single submitter. Criteria: ARUP Molecular Germline Variant Investigation Process 2024. Collection method: clinical testing. Allele origin: germline.
Comment: The TERC n.181A>C variant, to our knowledge, is not reported in the medical literature or gene specific databases. This variant is also absent from the Genome Aggregation Database (v2.1.1), indicating it is not a common polymorphism. Due to limited information, the clinical significance of this variant is uncertain at this time.

Literature cited by the submitters: PubMed 15082312 (cited by Labcorp Genetics (formerly Invitae), Labcorp); PubMed 21844345 (cited by Labcorp Genetics (formerly Invitae), Labcorp); PubMed 21931702 (cited by Labcorp Genetics (formerly Invitae), Labcorp).

NR_001566.3(TERC):n.181A>C

Genes: TERC (telomerase RNA component; minus strand), LOC110806306 (telomerase RNA component (TERC) promoter; plus strand). Cytogenetic location: 3q26.2.
Variant type: single nucleotide variant.
Molecular consequence: non-coding transcript variant (on NR_001566.3).
Genome position: GRCh38 VCF-style: chr3-169764880-T-G. GRCh37 (hg19) VCF-style: chr3-169482668-T-G.
Identifiers: ClinVar variation 3653239 (VCV003653239.3).
Genomic context (GRCh38, chr3:169,764,880, plus strand): 5'-TTCGGGGGCTGGGCAGGCGACCCGCCGCAGGTCCCCGGGAGGGGCGAACGGGCCAGCAGC[T>G]GACATTTTTTGTTTGCTCTAGAATGAACGGTGGAAGGCGGCAGGCCGAGGCTTTTCCGCC-3'